The following is an entry in ClinVar:

NM_004370.6(COL12A1):c.5385T>A (p.Asn1795Lys)

Gene: COL12A1 (collagen type XII alpha 1 chain; minus strand). Cytogenetic location: 6q13.
Variant type: single nucleotide variant.
Coding change: c.5385T>A on transcript NM_004370.6 (MANE Select); coding-DNA position 5385, T replaced by A.
Protein change: p.Asn1795Lys; replaces asparagine 1795 with lysine.
Molecular consequence: missense variant.
Genome position (GRCh38, 1-based): chr6:75,137,446, A>T on the plus strand (T>A on the coding strand, the complement: COL12A1 is on the minus strand). VCF-style: chr6-75137446-A-T. GRCh37 (hg19) VCF-style: chr6-75847162-A-T.
Other names: c.5385T>A, p.Asn1795Lys (NM_001424113.1); c.5364T>A, p.Asn1788Lys (NM_001424114.1); c.5112T>A, p.Asn1704Lys (NM_001424115.1); c.1893T>A, p.Asn631Lys (NM_001424116.1, NM_080645.3); short protein forms N1795K, N1704K, N631K, N1788K.
Identifiers: ClinVar variation 4783022 (VCV004783022.1).

ClinVar aggregate classification (germline): Uncertain significance (1 of 4 stars; one submission).

Conditions:
Ullrich congenital muscular dystrophy 2 (UCMD2). Identifiers: Orphanet 75840, MedGen C4225314, MONDO:0014654, OMIM 616470.
Bethlem myopathy 2 (BTHLM2). Identifiers: Orphanet 536516, Orphanet 610, MedGen C4225313, MONDO:0034022, OMIM 616471.

Submission:

Labcorp Genetics (formerly Invitae), Labcorp
Classification: Uncertain significance for Bethlem myopathy 2; Ullrich congenital muscular dystrophy 2. Last evaluated: 2025-03-06. Review status: criteria provided, single submitter. Criteria: Invitae Variant Classification Sherloc (09022015). Collection method: clinical testing. Allele origin: germline.
Comment: This sequence change replaces asparagine, which is neutral and polar, with lysine, which is basic and polar, at codon 1795 of the COL12A1 protein (p.Asn1795Lys). This variant is not present in population databases (gnomAD no frequency). This variant has not been reported in the literature in individuals affected with COL12A1-related conditions. Invitae Evidence Modeling of protein sequence and biophysical properties (such as structural, functional, and spatial information, amino acid conservation, physicochemical variation, residue mobility, and thermodynamic stability) indicates that this missense variant is not expected to disrupt COL12A1 protein function with a negative predictive value of 80%. In summary, the available evidence is currently insufficient to determine the role of this variant in disease. Therefore, it has been classified as a Variant of Uncertain Significance.